The following is an entry in ClinVar:

ClinVar aggregate classification (germline): Likely benign. Review status: criteria provided, multiple submitters, no conflicts (2 of 4 stars). 10 submissions from 7 submitters: Likely benign (9). 1 of the submissions does not count toward it. Last evaluated 2026-04-14.

Conditions:
Congenital myopathy 18. Also called: Myopathy, congenital, due to dihydropyridine receptor defect; DIHYDROPYRIDINE RECEPTOR CONGENITAL MYOPATHY; DHPR CONGENITAL MYOPATHY. Identifiers: MedGen C5830283, MONDO:0859514, OMIM 620246.
Thyrotoxic periodic paralysis, susceptibility to, 1 (TTPP1). Identifiers: Orphanet 79102, MedGen C2749982, MONDO:0008570, OMIM 188580.
Malignant hyperthermia, susceptibility to, 5 (MHS5). Also called: CACNA1S-Related Malignant Hyperthermia Susceptibility. Identifiers: Orphanet 423, MedGen C1866077, MONDO:0011163, OMIM 601887.
Hypokalemic periodic paralysis, type 1. Also called: Hypokalemic Periodic Paralysis Type 1 (AD); HypoPP. Identifiers: Orphanet 681, MedGen C3714580, MONDO:0042979, OMIM 170400.
CACNA1S-related disorder. Also called: CACNA1S-related condition.

Allele frequency attached by ClinVar (database versions not stated): gnomAD 0.00025; TOPMed 0.00032; ESP Exome Variant Server 0.00054.
gnomAD v4.1: 244 of 1,605,562 alleles (0.015%); highest among the groups gnomAD compares: Middle Eastern, 0.083%; no homozygotes.

Submissions (10):

Women's Health and Genetics/Laboratory Corporation of America, LabCorp
Classification: Likely benign. Last evaluated: 2026-04-14. Review status: criteria provided, single submitter. Criteria: LabCorp Variant Classification Summary - May 2015. Collection method: clinical testing. Allele origin: germline.

Labcorp Genetics (formerly Invitae), Labcorp
Classification: Likely benign for Hypokalemic periodic paralysis, type 1; Malignant hyperthermia, susceptibility to, 5. Last evaluated: 2025-12-30. Review status: criteria provided, single submitter. Criteria: Invitae Variant Classification Sherloc (09022015). Collection method: clinical testing. Allele origin: germline.

Blueprint Genetics
Classification: Likely benign. Last evaluated: 2024-10-08. Review status: criteria provided, single submitter. Criteria: ACMG Guidelines, 2015. Collection method: clinical testing. Allele origin: germline.

Genome-Nilou Lab
Classification: Likely benign for Malignant hyperthermia, susceptibility to, 5. Last evaluated: 2023-04-11. Review status: criteria provided, single submitter. Criteria: ACMG Guidelines, 2015. Collection method: clinical testing. Allele origin: germline. Affected: no.

Genome-Nilou Lab
Classification: Likely benign for Thyrotoxic periodic paralysis, susceptibility to, 1. Last evaluated: 2023-04-11. Review status: criteria provided, single submitter. Criteria: ACMG Guidelines, 2015. Collection method: clinical testing. Allele origin: germline. Affected: no.

Genome-Nilou Lab
Classification: Likely benign for Congenital myopathy 18. Last evaluated: 2023-04-11. Review status: criteria provided, single submitter. Criteria: ACMG Guidelines, 2015. Collection method: clinical testing. Allele origin: germline. Affected: no.

Genome-Nilou Lab
Classification: Likely benign for Hypokalemic periodic paralysis, type 1. Last evaluated: 2023-04-11. Review status: criteria provided, single submitter. Criteria: ACMG Guidelines, 2015. Collection method: clinical testing. Allele origin: germline. Affected: no.

Illumina Laboratory Services, Illumina
Classification: Likely benign for Hypokalemic periodic paralysis, type 1. Last evaluated: 2018-01-12. Review status: criteria provided, single submitter. Criteria: ICSL Variant Classification Criteria 13 December 2019. Collection method: clinical testing. Allele origin: germline.
Comment: This variant was observed in the ICSL laboratory as part of a predisposition screen in an ostensibly healthy population. It had not been previously curated by ICSL or reported in the Human Gene Mutation Database (HGMD: prior to June 1st, 2018), and was therefore a candidate for classification through an automated scoring system. Utilizing variant allele frequency, disease prevalence and penetrance estimates, and inheritance mode, an automated score was calculated to assess if this variant is too frequent to cause the disease. Based on the score and internal cut-off values, a variant classified as likely benign is not then subjected to further curation. The score for this variant resulted in a classification of likely benign for this disease.

GeneDx
Classification: Likely benign. Last evaluated: 2017-05-18. Review status: criteria provided, single submitter. Criteria: GeneDx Variant Classification (06012015). Collection method: clinical testing. Allele origin: germline. Affected: yes.
Comment: This variant is considered likely benign or benign based on one or more of the following criteria: it is a conservative change, it occurs at a poorly conserved position in the protein, it is predicted to be benign by multiple in silico algorithms, and/or has population frequency not consistent with disease.

PreventionGenetics, part of Exact Sciences
Classification: Likely benign for CACNA1S-related condition. Last evaluated: 2019-07-23. Review status: no assertion criteria provided. Collection method: clinical testing. Allele origin: germline. Not counted in ClinVar's aggregate classification.
Comment: This variant is classified as likely benign based on ACMG/AMP sequence variant interpretation guidelines (Richards et al. 2015 PMID: 25741868, with internal and published modifications).

NM_000069.3(CACNA1S):c.2657+9C>T

Gene: CACNA1S (calcium voltage-gated channel subunit alpha1 S; minus strand). Cytogenetic location: 1q32.1.
Variant type: single nucleotide variant.
Coding change: c.2657+9C>T on transcript NM_000069.3 (MANE Select); 9 bases into the intron after coding-DNA position 2657, C replaced by T.
Molecular consequence: intron variant.
Genome position (GRCh38, 1-based): chr1:201,066,878, G>A on the plus strand (C>T on the coding strand, the complement: CACNA1S is on the minus strand). VCF-style: chr1-201066878-G-A. GRCh37 (hg19) VCF-style: chr1-201036006-G-A.
Identifiers: ClinVar variation 390755 (VCV000390755.20), dbSNP rs375784883, ClinGen allele CA079172.